The following is an entry in ClinVar:

ClinVar aggregate classification (germline): Uncertain significance. Review status: criteria provided, single submitter (1 of 4 stars). 2 submissions from 2 submitters: Uncertain significance (1). 1 of the submissions does not count toward it. Last evaluated 2025-06-03.

Conditions:
Inborn genetic diseases. Identifiers: MedGen C0950123, MeSH D030342.
ITM2B-related disorder. Also called: ITM2B-related condition.

Allele frequency attached by ClinVar (database versions not stated): gnomAD 0.00001; TOPMed 0.00002.
gnomAD v4.1: 4 of 1,613,734 alleles (0.00025%); highest among the groups gnomAD compares: Non-Finnish European, 0.00034%; no homozygotes.

Submissions (2):

Ambry Genetics
Classification: Uncertain significance for Inborn genetic diseases. Last evaluated: 2025-06-03. Review status: criteria provided, single submitter. Criteria: Ambry Variant Classification Scheme 2023. Collection method: clinical testing. Allele origin: germline.

PreventionGenetics, part of Exact Sciences
Classification: Uncertain significance for ITM2B-related condition. Last evaluated: 2023-12-24. Review status: no assertion criteria provided. Collection method: clinical testing. Allele origin: germline. Not counted in ClinVar's aggregate classification.
Comment: The ITM2B c.280A>G variant is predicted to result in the amino acid substitution p.Ile94Val. To our knowledge, this variant has not been reported in the literature or in a large population database, indicating this variant is rare. At this time, the clinical significance of this variant is uncertain due to the absence of conclusive functional and genetic evidence.

NM_021999.5(ITM2B):c.280A>G (p.Ile94Val)

Gene: ITM2B (integral membrane protein 2B; plus strand). Cytogenetic location: 13q14.2.
Variant type: single nucleotide variant.
Coding change: c.280A>G on transcript NM_021999.5 (MANE Select); coding-DNA position 280, A replaced by G.
Protein change: p.Ile94Val; replaces isoleucine 94 with valine.
Molecular consequence: missense variant.
Genome position (GRCh38, 1-based): chr13:48,256,210, A>G. VCF-style: chr13-48256210-A-G. GRCh37 (hg19) VCF-style: chr13-48830346-A-G.
Other names: short protein forms I94V.
Identifiers: ClinVar variation 3029836 (VCV003029836.3), dbSNP rs1951787726, ClinGen allele CA388251092.